The following is an entry in ClinVar:

ClinVar aggregate classification (germline): Uncertain significance (0 of 4 stars; one submission).

Conditions:
WDPCP-related disorder. Also called: WDPCP-related condition.

gnomAD v4.1: 13 of 1,614,062 alleles (0.00081%); highest among the groups gnomAD compares: Non-Finnish European, 0.0011%; no homozygotes.

Submission:

PreventionGenetics, part of Exact Sciences
Classification: Uncertain significance for WDPCP-related condition. Last evaluated: 2024-08-06. Review status: no assertion criteria provided. Collection method: clinical testing. Allele origin: germline.
Comment: The WDPCP c.1119A>T variant is predicted to result in the amino acid substitution p.Leu373Phe. To our knowledge, this variant has not been reported in the literature. This variant is reported in 0.0027% of alleles in individuals of European (Non-Finnish) descent in gnomAD. At this time, the clinical significance of this variant is uncertain due to the absence of conclusive functional and genetic evidence.

NM_015910.7(WDPCP):c.1119A>T (p.Leu373Phe)

Gene: WDPCP (WD repeat containing planar cell polarity effector; minus strand). Cytogenetic location: 2p15.
Variant type: single nucleotide variant.
Coding change: c.1119A>T on transcript NM_015910.7 (MANE Select); coding-DNA position 1119, A replaced by T.
Protein change: p.Leu373Phe; replaces leucine 373 with phenylalanine.
Molecular consequence: missense variant. On other transcripts: non-coding transcript variant (3).
Genome position (GRCh38, 1-based): chr2:63,404,364, T>A on the plus strand (A>T on the coding strand, the complement: WDPCP is on the minus strand). VCF-style: chr2-63404364-T-A. GRCh37 (hg19) VCF-style: chr2-63631499-T-A.
Other names: c.642A>T, p.Leu214Phe (NM_001042692.3); c.1047A>T, p.Leu349Phe (NM_001354044.2); c.1119A>T, p.Leu373Phe (NM_001354045.2); short protein forms L214F, L349F, L373F.
Identifiers: ClinVar variation 3352466 (VCV003352466.1).